The following is an entry in ClinVar:

ClinVar aggregate classification (germline): Uncertain significance. Review status: criteria provided, multiple submitters, no conflicts (2 of 4 stars). 3 submissions from 2 submitters: Uncertain significance (3). Last evaluated 2024-10-26.

Conditions:
Fanconi anemia complementation group D1. Also called: BRCA2-Related Fanconi Anemia. Identifiers: Orphanet 319462, MedGen C1838457, MONDO:0011584, OMIM 605724.
Breast-ovarian cancer, familial, susceptibility to, 2 (BROVCA2). Also called: BRCA2 Hereditary Breast and Ovarian Cancer. Identifiers: Orphanet 145, MedGen C2675520, MONDO:0012933, OMIM 612555. Disease mechanism: loss of function.
Hereditary breast ovarian cancer syndrome. Also called: Hereditary breast and ovarian cancer; Breast and ovarian cancer; Hereditary breast and/or ovarian cancer syndrome; BRCA1- and BRCA2-Associated Hereditary Breast and Ovarian Cancer; Hereditary breast and ovarian cancer syndrome; Hereditary breast and ovarian cancer syndrome (HBOC). Identifiers: Orphanet 145, MedGen C0677776, MeSH D061325, MONDO:0003582. Disease mechanism: loss of function.

Submissions (3):

Labcorp Genetics (formerly Invitae), Labcorp
Classification: Uncertain significance for Hereditary breast ovarian cancer syndrome. Last evaluated: 2024-10-26. Review status: criteria provided, single submitter. Criteria: Invitae Variant Classification Sherloc (09022015). Collection method: clinical testing. Allele origin: germline.
Comment: This sequence change replaces phenylalanine, which is neutral and non-polar, with leucine, which is neutral and non-polar, at codon 62 of the BRCA2 protein (p.Phe62Leu). This variant is not present in population databases (gnomAD no frequency). This variant has not been reported in the literature in individuals affected with BRCA2-related conditions. ClinVar contains an entry for this variant (Variation ID: 884015). Invitae Evidence Modeling of protein sequence and biophysical properties (such as structural, functional, and spatial information, amino acid conservation, physicochemical variation, residue mobility, and thermodynamic stability) indicates that this missense variant is not expected to disrupt BRCA2 protein function with a negative predictive value of 95%. In summary, the available evidence is currently insufficient to determine the role of this variant in disease. Therefore, it has been classified as a Variant of Uncertain Significance.

Illumina Laboratory Services, Illumina
Classification: Uncertain significance for Fanconi anemia complementation group D1. Last evaluated: 2018-01-13. Review status: criteria provided, single submitter. Criteria: ICSL Variant Classification Criteria 13 December 2019. Collection method: clinical testing. Allele origin: germline.

Illumina Laboratory Services, Illumina
Classification: Uncertain significance for Breast-ovarian cancer, familial, susceptibility to, 2. Last evaluated: 2018-01-13. Review status: criteria provided, single submitter. Criteria: ICSL Variant Classification Criteria 13 December 2019. Collection method: clinical testing. Allele origin: germline.

NM_000059.4(BRCA2):c.184T>C (p.Phe62Leu)

Gene: BRCA2 (BRCA2 DNA repair associated; plus strand). Cytogenetic location: 13q13.1.
Variant type: single nucleotide variant.
Coding change: c.184T>C on transcript NM_000059.4 (MANE Select); coding-DNA position 184, T replaced by C.
Protein change: p.Phe62Leu; replaces phenylalanine 62 with leucine.
Molecular consequence: missense variant.
Genome position (GRCh38, 1-based): chr13:32,319,193, T>C. VCF-style: chr13-32319193-T-C. GRCh37 (hg19) VCF-style: chr13-32893330-T-C.
Other names: short protein forms F62L.
Identifiers: ClinVar variation 884015 (VCV000884015.5), dbSNP rs2072286770, ClinGen allele CA387754351.